The following is an entry in ClinVar:

ClinVar aggregate classification (germline): Uncertain significance (1 of 4 stars; one submission).

Conditions:
Cardiovascular phenotype. Identifiers: MedGen CN230736.

Submission:

Ambry Genetics
Classification: Uncertain significance for Cardiovascular phenotype. Last evaluated: 2025-03-25. Review status: criteria provided, single submitter. Criteria: Ambry Variant Classification Scheme 2023. Collection method: clinical testing. Allele origin: germline.
Comment: The p.T53A variant (also known as c.157A>G), located in coding exon 2 of the FKTN gene, results from an A to G substitution at nucleotide position 157. The threonine at codon 53 is replaced by alanine, an amino acid with similar properties. This amino acid position is conserved. In addition, this alteration is predicted to be tolerated by in silico analysis. Based on the available evidence, the clinical significance of this variant remains unclear.

NM_001079802.2(FKTN):c.157A>G (p.Thr53Ala)

Gene: FKTN (fukutin; plus strand). Cytogenetic location: 9q31.2.
Variant type: single nucleotide variant.
Coding change: c.157A>G on transcript NM_001079802.2 (MANE Select); coding-DNA position 157, A replaced by G.
Protein change: p.Thr53Ala; replaces threonine 53 with alanine.
Molecular consequence: missense variant. On other transcripts: 5 prime UTR variant (5), non-coding transcript variant (2).
Genome position (GRCh38, 1-based): chr9:105,596,649, A>G. VCF-style: chr9-105596649-A-G. GRCh37 (hg19) VCF-style: chr9-108358930-A-G.
Other names: c.157A>G, p.Thr53Ala (NM_001198963.2, NM_001351496.2, NM_001351498.2 and 1 more transcripts); c.-11A>G (NM_001351497.2); c.-358A>G (NM_001351499.2, NM_001351500.2, NM_001351501.2 and 1 more transcripts); short protein forms T53A.
Identifiers: ClinVar variation 4025263 (VCV004025263.1).